The following is an entry in ClinVar:

NM_006648.4(WNK2):c.842G>A (p.Gly281Glu)

Gene: WNK2 (WNK lysine deficient protein kinase 2; plus strand). Cytogenetic location: 9q22.31.
Variant type: single nucleotide variant.
Coding change: c.842G>A on transcript NM_006648.4 (MANE Select); coding-DNA position 842, G replaced by A.
Protein change: p.Gly281Glu; replaces glycine 281 with glutamic acid.
Molecular consequence: missense variant.
Genome position (GRCh38, 1-based): chr9:93,229,856, G>A. VCF-style: chr9-93229856-G-A. GRCh37 (hg19) VCF-style: chr9-95992138-G-A.
Other names: c.842G>A, p.Gly281Glu (NM_001282394.3); short protein forms G281E.
Identifiers: ClinVar variation 3470486 (VCV003470486.1).

ClinVar aggregate classification (germline): Uncertain significance (1 of 4 stars; one submission).

Submission:

Ambry Genetics
Classification: Uncertain significance. Last evaluated: 2024-11-28. Review status: criteria provided, single submitter. Criteria: Ambry Variant Classification Scheme 2023. Collection method: clinical testing. Allele origin: germline.
Comment: The p.G281E variant (also known as c.842G>A), located in coding exon 2 of the WNK2 gene, results from a G to A substitution at nucleotide position 842. The glycine at codon 281 is replaced by glutamic acid, an amino acid with similar properties. This amino acid position is conserved. In addition, this alteration is predicted to be deleterious by in silico analysis. Based on the available evidence, the clinical significance of this variant remains unclear.